The following is an entry in ClinVar:

ClinVar aggregate classification (germline): Uncertain significance (1 of 4 stars; one submission).

Conditions:
EAST syndrome (SESAMES). Also called: SEIZURES, SENSORINEURAL DEAFNESS, ATAXIA, IMPAIRED INTELLECTUAL DEVELOPMENT, AND ELECTROLYTE IMBALANCE. Identifiers: Orphanet 199343, MedGen C2748572, MONDO:0013005, OMIM 612780.

Submission:

Labcorp Genetics (formerly Invitae), Labcorp
Classification: Uncertain significance for EAST syndrome. Last evaluated: 2025-04-14. Review status: criteria provided, single submitter. Criteria: Invitae Variant Classification Sherloc (09022015). Collection method: clinical testing. Allele origin: germline.
Comment: This sequence change replaces aspartic acid, which is acidic and polar, with alanine, which is neutral and non-polar, at codon 331 of the KCNJ10 protein (p.Asp331Ala). This variant is not present in population databases (gnomAD no frequency). This variant has not been reported in the literature in individuals affected with KCNJ10-related conditions. Invitae Evidence Modeling of protein sequence and biophysical properties (such as structural, functional, and spatial information, amino acid conservation, physicochemical variation, residue mobility, and thermodynamic stability) has been performed for this missense variant. However, the output from this modeling did not meet the statistical confidence thresholds required to predict the impact of this variant on KCNJ10 protein function. In summary, the available evidence is currently insufficient to determine the role of this variant in disease. Therefore, it has been classified as a Variant of Uncertain Significance.

NM_002241.5(KCNJ10):c.992A>C (p.Asp331Ala)

Gene: KCNJ10 (potassium inwardly rectifying channel subfamily J member 10; minus strand). Cytogenetic location: 1q23.2.
Variant type: single nucleotide variant.
Coding change: c.992A>C on transcript NM_002241.5 (MANE Select); coding-DNA position 992, A replaced by C.
Protein change: p.Asp331Ala; replaces aspartic acid 331 with alanine.
Molecular consequence: missense variant.
Genome position (GRCh38, 1-based): chr1:160,041,541, T>G on the plus strand (A>C on the coding strand, the complement: KCNJ10 is on the minus strand). VCF-style: chr1-160041541-T-G. GRCh37 (hg19) VCF-style: chr1-160011331-T-G.
Other names: short protein forms D331A.
Identifiers: ClinVar variation 4747208 (VCV004747208.1).